The following is an entry in ClinVar:

NM_000466.3(PEX1):c.2427A>C (p.Leu809Phe)

Gene: PEX1 (peroxisomal biogenesis factor 1; minus strand). Cytogenetic location: 7q21.2.
Variant type: single nucleotide variant.
Coding change: c.2427A>C on transcript NM_000466.3 (MANE Select); coding-DNA position 2427, A replaced by C.
Protein change: p.Leu809Phe; replaces leucine 809 with phenylalanine.
Molecular consequence: missense variant.
Genome position (GRCh38, 1-based): chr7:92,501,663, T>G on the plus strand (A>C on the coding strand, the complement: PEX1 is on the minus strand). VCF-style: chr7-92501663-T-G. GRCh37 (hg19) VCF-style: chr7-92130977-T-G.
Other names: c.2256A>C, p.Leu752Phe (NM_001282677.2); c.1803A>C, p.Leu601Phe (NM_001282678.2); c.2427A>C (NM_000466.2); short protein forms L601F, L752F, L809F.
Identifiers: ClinVar variation 1972216 (VCV001972216.6), dbSNP rs1255735264, ClinGen allele CA368176540.

ClinVar aggregate classification (germline): Uncertain significance. Review status: criteria provided, multiple submitters, no conflicts (2 of 4 stars). 3 submissions from 3 submitters: Uncertain significance (3). Last evaluated 2025-05-15.

Conditions:
Zellweger spectrum disorders (ZS). Also called: Zellweger Spectrum Disorder; Zellweger Spectrum; Zellweger Spectrum Disorder (ZSD); Zellweger syndrome. Identifiers: Orphanet 912, MedGen C0043459, MONDO:0019609.
Inborn genetic diseases. Identifiers: MedGen C0950123, MeSH D030342.

Allele frequency attached by ClinVar (database versions not stated): TOPMed below 0.00001; gnomAD 0.00001.
gnomAD v4.1: 1 of 1,613,038 alleles (0.000062%); highest among the groups gnomAD compares: Admixed American, 0.0017%; no homozygotes.

Submissions (3):

GeneDx
Classification: Uncertain significance. Last evaluated: 2025-05-15. Review status: criteria provided, single submitter. Criteria: GeneDx Variant Classification Process June 2021. Collection method: clinical testing. Allele origin: germline. Affected: yes.
Comment: Not observed at significant frequency in large population cohorts (gnomAD); In silico analysis supports that this missense variant has a deleterious effect on protein structure/function; Has not been previously published as pathogenic or benign to our knowledge; This variant is associated with the following publications: (PMID: 27535533)

Labcorp Genetics (formerly Invitae), Labcorp
Classification: Uncertain significance for Zellweger spectrum disorders. Last evaluated: 2024-03-12. Review status: criteria provided, single submitter. Criteria: Invitae Variant Classification Sherloc (09022015). Collection method: clinical testing. Allele origin: germline.
Comment: This sequence change replaces leucine, which is neutral and non-polar, with phenylalanine, which is neutral and non-polar, at codon 809 of the PEX1 protein (p.Leu809Phe). This variant is not present in population databases (gnomAD no frequency). This variant has not been reported in the literature in individuals affected with PEX1-related conditions. ClinVar contains an entry for this variant (Variation ID: 1972216). Advanced modeling of protein sequence and biophysical properties (such as structural, functional, and spatial information, amino acid conservation, physicochemical variation, residue mobility, and thermodynamic stability) performed at Invitae indicates that this missense variant is expected to disrupt PEX1 protein function with a positive predictive value of 80%. In summary, the available evidence is currently insufficient to determine the role of this variant in disease. Therefore, it has been classified as a Variant of Uncertain Significance.

Ambry Genetics
Classification: Uncertain significance for Inborn genetic diseases. Last evaluated: 2023-03-31. Review status: criteria provided, single submitter. Criteria: Ambry Variant Classification Scheme 2023. Collection method: clinical testing. Allele origin: germline.